The following is an entry in ClinVar:

ClinVar aggregate classification (germline): Likely benign (1 of 4 stars; one submission).

gnomAD v4.1: 12 of 1,613,962 alleles (0.00074%); highest among the groups gnomAD compares: East Asian, 0.0045%; no homozygotes.

Submission:

CeGaT Center for Human Genetics Tuebingen
Classification: Likely benign. Last evaluated: 2026-03-01. Review status: criteria provided, single submitter. Criteria: CeGaT Center For Human Genetics Tuebingen Variant Classification Criteria Version 2. Collection method: clinical testing. Allele origin: germline. Affected: yes. Observed: 1 variant allele.
Comment: ALDOA: BP4, BP7

NM_001243177.4(ALDOA):c.1197G>C (p.Pro399=)

Genes: ALDOA (aldolase, fructose-bisphosphate A; plus strand), LOC112694756 (uncharaterized LOC112694756; plus strand). Cytogenetic location: 16p11.2.
Variant type: single nucleotide variant.
Coding change: c.1197G>C on transcript NM_001243177.4 (MANE Select); coding-DNA position 1197, G replaced by C.
Protein change: p.Pro399=; no amino-acid change (proline 399 retained).
Molecular consequence: synonymous variant. On other transcripts: 3 prime UTR variant (3).
Genome position (GRCh38, 1-based): chr16:30,070,152, G>C. VCF-style: chr16-30070152-G-C. GRCh37 (hg19) VCF-style: chr16-30081473-G-C.
Other names: c.*1544G>C (NM_001365304.2, NM_001365305.2, NM_001365307.2); c.1035G>C, p.Pro345= (NM_001127617.2, NM_184041.5, NM_184043.2).
Identifiers: ClinVar variation 4821922 (VCV004821922.4).